The following is an entry in ClinVar:

NC_000004.11:g.(?_103446676)_(103446734_?)del

Gene: NFKB1 (nuclear factor kappa B subunit 1; plus strand). Cytogenetic location: 4q24.
Variant type: Deletion.
Identifiers: ClinVar variation 1460014 (VCV001460014.5).

ClinVar aggregate classification (germline): Pathogenic (1 of 4 stars; one submission).

Submission:

Labcorp Genetics (formerly Invitae), Labcorp
Classification: Pathogenic. Last evaluated: 2022-06-13. Review status: criteria provided, single submitter. Criteria: Invitae Variant Classification Sherloc (09022015). Collection method: clinical testing. Allele origin: germline.
Comment: For these reasons, this variant has been classified as Pathogenic. This variant has not been reported in the literature in individuals affected with NFKB1-related conditions. This variant is a gross deletion of the genomic region encompassing exon(s) 2 of the NFKB1 gene, which includes the initiator codon. This deletion extends beyond the assayed region for this gene and therefore may encompass additional genes. It is expected to result in an absent or disrupted protein product. Loss-of-function variants in NFKB1 are known to be pathogenic (PMID: 26279205, 29477724).

Literature cited by the submitters: PubMed 26279205; PubMed 29477724.